The following is an entry in ClinVar:

NM_004958.4(MTOR):c.3634C>T (p.Leu1212Phe)

Gene: MTOR (mechanistic target of rapamycin kinase; minus strand). Cytogenetic location: 1p36.22.
Variant type: single nucleotide variant.
Coding change: c.3634C>T on transcript NM_004958.4 (MANE Select); coding-DNA position 3634, C replaced by T.
Protein change: p.Leu1212Phe; replaces leucine 1212 with phenylalanine.
Molecular consequence: missense variant.
Genome position (GRCh38, 1-based): chr1:11,210,834, G>A on the plus strand (C>T on the coding strand, the complement: MTOR is on the minus strand). VCF-style: chr1-11210834-G-A. GRCh37 (hg19) VCF-style: chr1-11270891-G-A.
Other names: c.3634C>T, p.Leu1212Phe (NM_001386500.1); c.2386C>T, p.Leu796Phe (NM_001386501.1); short protein forms L1212F, L796F.
Identifiers: ClinVar variation 1804282 (VCV001804282.2), dbSNP rs1646287719, ClinGen allele CA338372077.

ClinVar aggregate classification (germline): Uncertain significance (1 of 4 stars; one submission).

Allele frequency attached by ClinVar (database versions not stated): gnomAD exomes below 0.00001; TOPMed 0.00001.
gnomAD v4.1: 3 of 1,612,238 alleles (0.00019%); highest among the groups gnomAD compares: African/African-American, 0.004%; no homozygotes.

Submission:

GeneDx
Classification: Uncertain significance. Last evaluated: 2024-10-24. Review status: criteria provided, single submitter. Criteria: GeneDx Variant Classification Process June 2021. Collection method: clinical testing. Allele origin: germline.
Comment: In silico analysis supports that this missense variant has a deleterious effect on protein structure/function; Has not been previously published as pathogenic or benign to our knowledge